The following is an entry in ClinVar:

ClinVar aggregate classification (germline): Uncertain significance (1 of 4 stars; one submission).

Allele frequency attached by ClinVar (database versions not stated): gnomAD 0.00001; TOPMed below 0.00001.

Submission:

GeneDx
Classification: Uncertain significance. Last evaluated: 2026-10-16. Review status: criteria provided, single submitter. Criteria: GeneDx Variant Classification Process June 2021. Collection method: clinical testing. Allele origin: germline.
Comment: Frameshift variant predicted to result in abnormal protein length as the last 27 amino acids are replaced with 271 different amino acids; Not observed at significant frequency in large population cohorts (gnomAD); Has not been previously published as pathogenic or benign to our knowledge

NM_001127222.2(CACNA1A):c.6701del (p.Asp2234fs)

Gene: CACNA1A (calcium voltage-gated channel subunit alpha1 A; minus strand). Cytogenetic location: 19p13.13.
Variant type: Deletion.
Coding change: c.6701del on transcript NM_001127222.2 (MANE Select); coding-DNA position 6701, one base deleted (A; older notation c.6701delA).
Protein change: p.Asp2234fs; shifts the reading frame from aspartic acid 2234.
Molecular consequence: frameshift variant.
Genome position (GRCh38, 1-based): chr19:13,208,835, T deleted on the plus strand (A on the coding strand, the reverse complement: CACNA1A is on the minus strand). VCF-style (leftmost placement, unchanged base first): chr19-13208834-GT-G. GRCh37 (hg19) VCF-style: chr19-13319648-GT-G.
Other names: c.6719del, p.Asp2240fs (NM_000068.4, NM_023035.3); c.6704del, p.Asp2235fs (NM_001127221.2); c.6710del, p.Asp2237fs (NM_001174080.2); short protein forms D2234fs, D2235fs, D2237fs, D2240fs.
Identifiers: ClinVar variation 1313834 (VCV001313834.3), dbSNP rs1204175797, ClinGen allele CA783411232.